The following is an entry in ClinVar:

NM_015100.4(POGZ):c.2669C>T (p.Ala890Val)

Gene: POGZ (pogo transposable element derived with ZNF domain; minus strand). Cytogenetic location: 1q21.3.
Variant type: single nucleotide variant.
Coding change: c.2669C>T on transcript NM_015100.4 (MANE Select); coding-DNA position 2669, C replaced by T.
Protein change: p.Ala890Val; replaces alanine 890 with valine.
Molecular consequence: missense variant.
Genome position (GRCh38, 1-based): chr1:151,406,366, G>A on the plus strand (C>T on the coding strand, the complement: POGZ is on the minus strand). VCF-style: chr1-151406366-G-A. GRCh37 (hg19) VCF-style: chr1-151378842-G-A.
Other names: c.2642C>T, p.Ala881Val (NM_001194937.2); c.2483C>T, p.Ala828Val (NM_001194938.2); c.2384C>T, p.Ala795Val (NM_145796.4); c.2510C>T, p.Ala837Val (NM_207171.2); short protein forms A890V, A795V, A837V, A881V, A828V.
Identifiers: ClinVar variation 588150 (VCV000588150.36), dbSNP rs141251585, ClinGen allele CA1091084.

ClinVar aggregate classification (germline): Benign/Likely benign. Review status: criteria provided, multiple submitters, no conflicts (2 of 4 stars). 7 submissions from 7 submitters: Benign (2); Likely benign (4). 1 of the submissions does not count toward it. Last evaluated 2025-12-01.

Conditions:
Inborn genetic diseases. Identifiers: MedGen C0950123, MeSH D030342.
Intellectual disability-microcephaly-strabismus-behavioral abnormalities syndrome. Also called: White-Sutton Syndrome. Identifiers: Orphanet 468678, MedGen C4225351, MONDO:0014606, OMIM 616364.
POGZ-related disorder. Also called: POGZ-related condition.

Allele frequency attached by ClinVar (database versions not stated): ESP Exome Variant Server 0.00046; ExAC 0.00049; TOPMed 0.00055; gnomAD exomes 0.00059 and 0.00102; gnomAD 0.00065 and 0.00071.
gnomAD v4.1: 1,553 of 1,590,748 alleles (0.098%); highest among the groups gnomAD compares: Non-Finnish European, 0.12%; 3 homozygotes.

Submissions (7):

CeGaT Center for Human Genetics Tuebingen
Classification: Likely benign. Last evaluated: 2025-12-01. Review status: criteria provided, single submitter. Criteria: CeGaT Center For Human Genetics Tuebingen Variant Classification Criteria Version 2. Collection method: clinical testing. Allele origin: germline. Affected: yes. Observed: 5 variant alleles.
Comment: POGZ: BP4, BS2

Blueprint Genetics
Classification: Likely benign. Last evaluated: 2024-09-05. Review status: criteria provided, single submitter. Criteria: ACMG Guidelines, 2015. Collection method: clinical testing. Allele origin: germline.

Genome-Nilou Lab
Classification: Likely benign for Intellectual disability-microcephaly-strabismus-behavioral abnormalities syndrome. Last evaluated: 2023-04-11. Review status: criteria provided, single submitter. Criteria: ACMG Guidelines, 2015. Collection method: clinical testing. Allele origin: germline. Affected: no.

GeneDx
Classification: Benign. Last evaluated: 2020-01-03. Review status: criteria provided, single submitter. Criteria: GeneDx Variant Classification Process June 2021. Collection method: clinical testing. Allele origin: germline. Affected: yes.

Labcorp Genetics (formerly Invitae), Labcorp
Classification: Likely benign. Last evaluated: 2019-12-31. Review status: criteria provided, single submitter. Criteria: Invitae Variant Classification Sherloc (09022015). Collection method: clinical testing. Allele origin: germline.

Ambry Genetics
Classification: Benign for Inborn genetic diseases. Last evaluated: 2018-01-25. Review status: criteria provided, single submitter. Criteria: Ambry Variant Classification Scheme 2023. Collection method: clinical testing. Allele origin: germline.

PreventionGenetics, part of Exact Sciences
Classification: Benign for POGZ-related condition. Last evaluated: 2024-01-16. Review status: no assertion criteria provided. Collection method: clinical testing. Allele origin: germline. Not counted in ClinVar's aggregate classification.
Comment: This variant is classified as benign based on ACMG/AMP sequence variant interpretation guidelines (Richards et al. 2015 PMID: 25741868, with internal and published modifications).